The following is an entry in ClinVar:

NM_000297.4(PKD2):c.1106C>G (p.Thr369Arg)

Gene: PKD2 (polycystin 2, transient receptor potential cation channel; plus strand). Cytogenetic location: 4q22.1.
Variant type: single nucleotide variant.
Coding change: c.1106C>G on transcript NM_000297.4 (MANE Select); coding-DNA position 1106, C replaced by G.
Protein change: p.Thr369Arg; replaces threonine 369 with arginine.
Molecular consequence: missense variant. On other transcripts: non-coding transcript variant (1).
Genome position (GRCh38, 1-based): chr4:88,043,244, C>G. VCF-style: chr4-88043244-C-G. GRCh37 (hg19) VCF-style: chr4-88964396-C-G.
Other names: short protein forms T369R.
Identifiers: ClinVar variation 1398926 (VCV001398926.8), dbSNP rs2110112025, ClinGen allele CA357615397.

ClinVar aggregate classification (germline): Uncertain significance (1 of 4 stars; one submission).

Conditions:
Autosomal dominant polycystic kidney disease. Identifiers: Orphanet 730, MedGen C0085413, MONDO:0004691.

Submission:

Labcorp Genetics (formerly Invitae), Labcorp
Classification: Uncertain significance for Autosomal dominant polycystic kidney disease. Last evaluated: 2021-04-04. Review status: criteria provided, single submitter. Criteria: Invitae Variant Classification Sherloc (09022015). Collection method: clinical testing. Allele origin: germline.
Comment: This sequence change replaces threonine with arginine at codon 369 of the PKD2 protein (p.Thr369Arg). The threonine residue is moderately conserved and there is a moderate physicochemical difference between threonine and arginine. In summary, the available evidence is currently insufficient to determine the role of this variant in disease. Therefore, it has been classified as a Variant of Uncertain Significance. Algorithms developed to predict the effect of sequence changes on RNA splicing suggest that this variant may create or strengthen a splice site, but this prediction has not been confirmed by published transcriptional studies. Algorithms developed to predict the effect of missense changes on protein structure and function (SIFT, PolyPhen-2, Align-GVGD) all suggest that this variant is likely to be tolerated, but these predictions have not been confirmed by published functional studies and their clinical significance is uncertain. This variant has not been reported in the literature in individuals with PKD2-related conditions. This variant is not present in population databases (ExAC no frequency).